The following is an entry in ClinVar:

ClinVar aggregate classification (germline): Pathogenic. Review status: criteria provided, multiple submitters, no conflicts (2 of 4 stars). 4 submissions from 4 submitters: Pathogenic (3). 1 of the submissions does not count toward it. Last evaluated 2025-12-29.

Conditions:
Familial cancer of breast. Also called: Hereditary breast cancer; hereditary breast carcinoma; BREAST CANCER, FAMILIAL. Identifiers: Orphanet 227535, MedGen C0346153, MONDO:0016419, OMIM 114480. Disease mechanism: loss of function.
Hereditary cancer-predisposing syndrome. Also called: Neoplastic Syndromes, Hereditary; Tumor predisposition; Hereditary Cancer Syndrome; Hereditary neoplastic syndrome. Identifiers: Orphanet 140162, MedGen C0027672, MeSH D009386, MONDO:0015356.
Ataxia-telangiectasia syndrome (AT). Also called: Ataxia-telangiectasia, complementation group D; AT, COMPLEMENTATION GROUP C; ATAXIA-TELANGIECTASIA, COMPLEMENTATION GROUP A; ATAXIA-TELANGIECTASIA, FRESNO VARIANT; Ataxia-telangiectasia; Ataxia-telangiectasia, complementation group E. Identifiers: Orphanet 100, MedGen C0004135, MONDO:0008840, OMIM 208900.

Submissions (4):

Ambry Genetics
Classification: Pathogenic for Hereditary cancer-predisposing syndrome. Last evaluated: 2025-12-29. Review status: criteria provided, single submitter. Criteria: Ambry Variant Classification Scheme 2023. Collection method: clinical testing. Allele origin: germline.
Comment: The p.E1622* pathogenic mutation (also known as c.4864G>T), located in coding exon 31 of the ATM gene, results from a G to T substitution at nucleotide position 4864. This changes the amino acid from a glutamic acid to a stop codon within coding exon 31. This variant has been identified in the homozygous state and/or in conjunction with other ATM variant(s) in individual(s) with features consistent with Ataxia Telangiectasia (Delavari S et al. Cancers (Basel), 2023 Jan;15; Abolhassani H et al. J Allergy Clin Immunol, 2018 Apr;141:1450-1458). This variant is considered to be rare based on population cohorts in the Genome Aggregation Database (gnomAD). This alteration is expected to result in loss of function by premature protein truncation or nonsense-mediated mRNA decay. As such, this alteration is interpreted as a disease-causing mutation.

Myriad Genetics, Inc.
Classification: Pathogenic for Familial cancer of breast. Last evaluated: 2024-01-24. Review status: criteria provided, single submitter. Criteria: Myriad Autosomal Dominant, Autosomal Recessive and X-Linked Classification Criteria (2023). Collection method: clinical testing. Allele origin: unknown.
Comment: This variant is considered pathogenic. This variant creates a termination codon and is predicted to result in premature protein truncation.

Labcorp Genetics (formerly Invitae), Labcorp
Classification: Pathogenic for Ataxia-telangiectasia syndrome. Last evaluated: 2023-04-22. Review status: criteria provided, single submitter. Criteria: Invitae Variant Classification Sherloc (09022015). Collection method: clinical testing. Allele origin: germline.
Comment: For these reasons, this variant has been classified as Pathogenic. Algorithms developed to predict the effect of sequence changes on RNA splicing suggest that this variant may disrupt the consensus splice site. This premature translational stop signal has been observed in individual(s) with ataxia-telangiectasia (PMID: 28916186, 32888943). This variant is not present in population databases (gnomAD no frequency). This sequence change creates a premature translational stop signal (p.Glu1622*) in the ATM gene. It is expected to result in an absent or disrupted protein product. Loss-of-function variants in ATM are known to be pathogenic (PMID: 23807571, 25614872).

Immunology, Asthma and Allergy Research Institute, Tehran University of Medical Sciences
Classification: Pathogenic for Ataxia-telangiectasia syndrome. Review status: no assertion criteria provided. Collection method: curation. Allele origin: biparental. Affected: yes. Not counted in ClinVar's aggregate classification.

Literature cited by the submitters: PubMed 28916186 (cited by Ambry Genetics and Labcorp Genetics (formerly Invitae), Labcorp); PubMed 36765721 (cited by Ambry Genetics); PubMed 32888943 (cited by Labcorp Genetics (formerly Invitae), Labcorp); PubMed 23807571 (cited by Labcorp Genetics (formerly Invitae), Labcorp); PubMed 25614872 (cited by Labcorp Genetics (formerly Invitae), Labcorp); PubMed 10817650 (cited by Immunology, Asthma and Allergy Research Institute, Tehran University of Medical Sciences); PubMed 12815592 (cited by Immunology, Asthma and Allergy Research Institute, Tehran University of Medical Sciences).

NM_000051.4(ATM):c.4864G>T (p.Glu1622Ter)

Gene: ATM (ATM serine/threonine kinase; plus strand). Cytogenetic location: 11q22.3.
Variant type: single nucleotide variant.
Coding change: c.4864G>T on transcript NM_000051.4 (MANE Select); coding-DNA position 4864, G replaced by T.
Protein change: p.Glu1622Ter; replaces glutamic acid 1622 with a stop codon.
Molecular consequence: nonsense.
Genome position (GRCh38, 1-based): chr11:108,295,014, G>T. VCF-style: chr11-108295014-G-T. GRCh37 (hg19) VCF-style: chr11-108165741-G-T.
Other names: c.4864G>T, p.Glu1622Ter (NM_001351834.2); short protein forms E1622*.
Identifiers: ClinVar variation 2507017 (VCV002507017.7), dbSNP rs2083042425, ClinGen allele CA382537068.